The following is an entry in ClinVar:

ClinVar aggregate classification (germline): Uncertain significance. Review status: criteria provided, multiple submitters, no conflicts (2 of 4 stars). 3 submissions from 3 submitters: Uncertain significance (3). Last evaluated 2025-11-17.

Conditions:
Hereditary cancer-predisposing syndrome. Also called: Hereditary Cancer Syndrome; Hereditary neoplastic syndrome; Neoplastic Syndromes, Hereditary; Tumor predisposition. Identifiers: Orphanet 140162, MedGen C0027672, MeSH D009386, MONDO:0015356.

Allele frequency attached by ClinVar (database versions not stated): gnomAD 0.00001; gnomAD exomes 0.00001; TOPMed 0.00001.
gnomAD v4.1: 15 of 1,614,036 alleles (0.00093%); highest among the groups gnomAD compares: Middle Eastern, 0.016%; no homozygotes.

Submissions (3):

Labcorp Genetics (formerly Invitae), Labcorp
Classification: Uncertain significance. Last evaluated: 2025-11-17. Review status: criteria provided, single submitter. Criteria: Invitae Variant Classification Sherloc (09022015). Collection method: clinical testing. Allele origin: germline.
Comment: This sequence change replaces arginine, which is basic and polar, with histidine, which is basic and polar, at codon 222 of the POLE protein (p.Arg222His). This variant is present in population databases (no rsID available, gnomAD 0.003%). This variant has not been reported in the literature in individuals affected with POLE-related conditions. ClinVar contains an entry for this variant (Variation ID: 405821). Invitae Evidence Modeling of protein sequence and biophysical properties (such as structural, functional, and spatial information, amino acid conservation, physicochemical variation, residue mobility, and thermodynamic stability) indicates that this missense variant is expected to disrupt POLE protein function with a positive predictive value of 80%. In summary, the available evidence is currently insufficient to determine the role of this variant in disease. Therefore, it has been classified as a Variant of Uncertain Significance.

Ambry Genetics
Classification: Uncertain significance for Hereditary cancer-predisposing syndrome. Last evaluated: 2024-12-04. Review status: criteria provided, single submitter. Criteria: Ambry Variant Classification Scheme 2023. Collection method: clinical testing. Allele origin: germline.
Comment: The p.R222H variant (also known as c.665G>A), located in coding exon 7 of the POLE gene, results from a G to A substitution at nucleotide position 665. The arginine at codon 222 is replaced by histidine, an amino acid with highly similar properties. This amino acid position is highly conserved in available vertebrate species. In addition, the in silico prediction for this alteration is inconclusive. Based on the available evidence, the clinical significance of this variant remains unclear.

GeneDx
Classification: Uncertain significance. Last evaluated: 2023-02-14. Review status: criteria provided, single submitter. Criteria: GeneDx Variant Classification Process June 2021. Collection method: clinical testing. Allele origin: germline. Affected: yes.
Comment: Identified as a somatic variant in a patient with adult T cell leukemia/lymphoma in published literature (Kataoka et al., 2015); Not observed at significant frequency in large population cohorts (gnomAD); In silico analysis supports that this missense variant has a deleterious effect on protein structure/function; This variant is associated with the following publications: (PMID: 26437031)

NM_006231.4(POLE):c.665G>A (p.Arg222His)

Gene: POLE (DNA polymerase epsilon, catalytic subunit; minus strand). Cytogenetic location: 12q24.33.
Variant type: single nucleotide variant.
Coding change: c.665G>A on transcript NM_006231.4 (MANE Select); coding-DNA position 665, G replaced by A.
Protein change: p.Arg222His; replaces arginine 222 with histidine.
Molecular consequence: missense variant.
Genome position (GRCh38, 1-based): chr12:132,677,633, C>T on the plus strand (G>A on the coding strand, the complement: POLE is on the minus strand). VCF-style: chr12-132677633-C-T. GRCh37 (hg19) VCF-style: chr12-133254219-C-T.
Other names: short protein forms R222H.
Identifiers: ClinVar variation 405821 (VCV000405821.11), dbSNP rs1060500862, ClinGen allele CA16613917.